The following is an entry in ClinVar:

NM_001165963.4(SCN1A):c.64_65del (p.Leu22fs)

Gene: SCN1A (sodium voltage-gated channel alpha subunit 1; minus strand). Cytogenetic location: 2q24.3.
Variant type: Microsatellite.
Coding change: c.64_65del on transcript NM_001165963.4 (MANE Select); coding-DNA positions 64 to 65, 2 bases deleted (CT; older notation c.64_65delCT).
Protein change: p.Leu22fs; shifts the reading frame from leucine 22.
Molecular consequence: frameshift variant. On other transcripts: 5 prime UTR variant (1), non-coding transcript variant (1).
Genome position (GRCh38, 1-based): chr2:166,073,557-166,073,558, AG deleted on the plus strand (CT on the coding strand, the reverse complement: SCN1A is on the minus strand); deleting any 2 consecutive bases within chr2:166,073,557-166,073,561 gives the same sequence; the c. name uses the placement nearest the transcript's 3' end. VCF-style (leftmost placement, unchanged base first): chr2-166073556-AAG-A. GRCh37 (hg19) VCF-style: chr2-166930066-AAG-A.
Other names: c.64_65del, p.Leu22fs (NM_001165964.3, NM_001202435.3, NM_001353948.2 and 10 more transcripts); c.-2364CT[1] (NM_001353961.2); short protein forms L22fs.
Identifiers: ClinVar variation 2009259 (VCV002009259.4), dbSNP rs2468367496, ClinGen allele CA2580614393.

ClinVar aggregate classification (germline): Pathogenic (1 of 4 stars; one submission).

Conditions:
Early-infantile DEE. Also called: Early infantile epileptic encephalopathy; Ohtahara syndrome; Early infantile epileptic encephalopathy with suppression bursts. Identifiers: Orphanet 1934, MedGen C0393706, MONDO:0800491.

Submission:

Labcorp Genetics (formerly Invitae), Labcorp
Classification: Pathogenic for Early-infantile DEE. Last evaluated: 2022-06-22. Review status: criteria provided, single submitter. Criteria: Invitae Variant Classification Sherloc (09022015). Collection method: clinical testing. Allele origin: germline.
Comment: For these reasons, this variant has been classified as Pathogenic. This variant has not been reported in the literature in individuals affected with SCN1A-related conditions. This variant is not present in population databases (gnomAD no frequency). This sequence change creates a premature translational stop signal (p.Leu22Cysfs*4) in the SCN1A gene. It is expected to result in an absent or disrupted protein product. Loss-of-function variants in SCN1A are known to be pathogenic (PMID: 17347258, 18930999).

Literature cited by the submitters: PubMed 17347258; PubMed 18930999.